The following is an entry in ClinVar:

NM_001687.5(ATP5F1D):c.114G>A (p.Met38Ile)

Genes: ATP5F1D (ATP synthase F1 subunit delta; plus strand), LOC130062903 (ATAC-STARR-seq lymphoblastoid silent region 9673; plus strand). Cytogenetic location: 19p13.3.
Variant type: single nucleotide variant.
Coding change: c.114G>A on transcript NM_001687.5 (MANE Select); coding-DNA position 114, G replaced by A.
Protein change: p.Met38Ile; replaces methionine 38 with isoleucine.
Molecular consequence: missense variant.
Genome position (GRCh38, 1-based): chr19:1,241,964, G>A. VCF-style: chr19-1241964-G-A. GRCh37 (hg19) VCF-style: chr19-1241963-G-A.
Other names: c.114G>A, p.Met38Ile (NM_001001975.2); short protein forms M38I.
Identifiers: ClinVar variation 1899739 (VCV001899739.5), dbSNP rs761901940, ClinGen allele CA9040202.

ClinVar aggregate classification (germline): Uncertain significance (1 of 4 stars; one submission).

Allele frequency attached by ClinVar (database versions not stated): ExAC 0.00001.
gnomAD v4.1: 8 of 1,483,556 alleles (0.00054%); highest among the groups gnomAD compares: Admixed American, 0.015%; no homozygotes.

Submission:

Labcorp Genetics (formerly Invitae), Labcorp
Classification: Uncertain significance. Last evaluated: 2025-03-22. Review status: criteria provided, single submitter. Criteria: Invitae Variant Classification Sherloc (09022015). Collection method: clinical testing. Allele origin: germline.
Comment: This sequence change replaces methionine, which is neutral and non-polar, with isoleucine, which is neutral and non-polar, at codon 38 of the ATP5D protein (p.Met38Ile). The frequency data for this variant in the population databases is considered unreliable, as metrics indicate poor data quality at this position in the gnomAD database. This variant has not been reported in the literature in individuals affected with ATP5D-related conditions. ClinVar contains an entry for this variant (Variation ID: 1899739). An algorithm developed to predict the effect of missense changes on protein structure and function (PolyPhen-2) suggests that this variant is likely to be disruptive. Algorithms developed to predict the effect of sequence changes on RNA splicing suggest that this variant may disrupt the consensus splice site. In summary, the available evidence is currently insufficient to determine the role of this variant in disease. Therefore, it has been classified as a Variant of Uncertain Significance.